The following is an entry in ClinVar:

NM_001005361.3(DNM2):c.1678G>A (p.Glu560Lys)

Gene: DNM2 (dynamin 2; plus strand). Cytogenetic location: 19p13.2.
Variant type: single nucleotide variant.
Coding change: c.1678G>A on transcript NM_001005361.3 (MANE Select); coding-DNA position 1678, G replaced by A.
Protein change: p.Glu560Lys; replaces glutamic acid 560 with lysine.
Molecular consequence: missense variant.
Genome position (GRCh38, 1-based): chr19:10,819,986, G>A. VCF-style: chr19-10819986-G-A. GRCh37 (hg19) VCF-style: chr19-10930662-G-A.
Other names: NM_001005361.3(DNM2):c.1678G>A; c.1666G>A, p.Glu556Lys (NM_004945.4, NM_001005362.3); c.1678G>A, p.Glu560Lys (NM_001005360.3, NM_001190716.2); short protein forms E560K, E556K.
Identifiers: ClinVar variation 246082 (VCV000246082.10), dbSNP rs879254086, ClinGen allele CA10584608.

ClinVar aggregate classification (germline): Likely pathogenic. Review status: reviewed by expert panel (3 of 4 stars). 4 submissions from 4 submitters: Likely pathogenic (1). 3 of the submissions do not count toward it. Last evaluated 2025-05-12.

Conditions:
Centronuclear myopathy (CNM). Also called: Myotubular myopathy; Centronuclear myopathy, congenital. Identifiers: Orphanet 595, MedGen C0175709, MONDO:0018947. Inheritance: All.
Charcot-Marie-Tooth disease dominant intermediate B (CMTDIB). Also called: CHARCOT-MARIE-TOOTH NEUROPATHY, DOMINANT INTERMEDIATE B; Charcot-Marie-Tooth disease dominant intermediate 1; CMT DI1; Charcot-Marie-Tooth disease dominant intermediate I. Identifiers: Orphanet 100044, Orphanet 228179, MedGen C1847902, MONDO:0011674, OMIM 606482.

Submissions (4):

ClinGen Congenital Myopathies Variant Curation Expert Panel, ClinGen
Classification: Likely pathogenic for Centronuclear myopathy. Last evaluated: 2025-05-12. Review status: reviewed by expert panel. Criteria: ClinGen CongenMyopathy ACMG Specifications DNM2 V1.0.0. Collection method: curation. Allele origin: germline. Inheritance: Autosomal dominant inheritance.
Comment: The NM_001005361.3:c.1678G>A variant in DNM2 is a missense variant predicted to cause substitution of glutamate by lysine at amino acid 560 (p.Glu560Lys). This variant is absent from gnomAD v4.1.0 (PM2_supporting). DNM2, in which the variant was identified, is defined by the ClinGen Congenital Myopathies VCEP as a gene that has a low rate of benign missense variation and where pathogenic missense variants are a common mechanism of disease (PP2). The computational predictor REVEL gives a score of 0.686, which is neither above nor below the thresholds predicting a damaging or benign impact on DNM2 function (no codes met). This variant has been reported in 2 probands with centronuclear myopathy (PS4; 1.0 pt.; PMIDs: 19122038, 22396310). This variant has been identified as a suspected de novo occurrence in one individual with centronuclear myopathy (PM6; PMID: 22396310). Membrane fission/dissociation assay using incubated DNM2 protein showed notably increased fission activity but reduced dissociation efficiency for the mutant indicating that this variant impacts protein function (PS3_supporting; PMID: 26199319). In summary, this variant meets the criteria to be classified as likely pathogenic for autosomal dominant centronuclear myopathy based on the ACMG/AMP criteria applied, as specified by the ClinGen Congenital Myopathies VCEP: PS4, PM6, PS3_Supporting, PM2_Supporting, PP2 (ClinGen Congenital Myopathies VCEP Specifications Version 1.0.0; 5/12/2025).

Labcorp Genetics (formerly Invitae), Labcorp
Classification: Likely pathogenic for Charcot-Marie-Tooth disease dominant intermediate B. Last evaluated: 2022-10-16. Review status: criteria provided, single submitter. Criteria: Invitae Variant Classification Sherloc (09022015). Collection method: clinical testing. Allele origin: germline. Not counted in ClinVar's aggregate classification.
Comment: This sequence change replaces glutamic acid, which is acidic and polar, with lysine, which is basic and polar, at codon 560 of the DNM2 protein (p.Glu560Lys). This variant is not present in population databases (gnomAD no frequency). This missense change has been observed in individual(s) with centronuclear myopathy (PMID: 19122038, 22396310). In at least one individual the variant was observed to be de novo. ClinVar contains an entry for this variant (Variation ID: 246082). Advanced modeling of protein sequence and biophysical properties (such as structural, functional, and spatial information, amino acid conservation, physicochemical variation, residue mobility, and thermodynamic stability) has been performed at Invitae for this missense variant, however the output from this modeling did not meet the statistical confidence thresholds required to predict the impact of this variant on DNM2 protein function. Experimental studies have shown that this missense change affects DNM2 function (PMID: 26199319). In summary, the currently available evidence indicates that the variant is pathogenic, but additional data are needed to prove that conclusively. Therefore, this variant has been classified as Likely Pathogenic.

GeneDx
Classification: Pathogenic. Last evaluated: 2022-07-11. Review status: criteria provided, single submitter. Criteria: GeneDx Variant Classification Process June 2021. Collection method: clinical testing. Allele origin: germline. Affected: yes. Not counted in ClinVar's aggregate classification.
Comment: Published functional studies suggest E560K is a hypermorphic variant which leads to T-tubule disorganization in muscle and does not support dense-core vesicle exocytosis (Chin et al., 2015; Moro et. al., 2021); Not observed at significant frequency in large population cohorts (gnomAD); Missense variants in this gene are often considered pathogenic (HGMD); In silico analysis supports that this missense variant has a deleterious effect on protein structure/function; This variant is associated with the following publications: (PMID: 22451505, 27343996, Schaefer2014[casereport], 34020952, 24065954, 30426359, 25492887, 34463354, 19122038, 22396310, 16227997, 26199319)

Inherited Neuropathy Consortium Ii, University Of Miami
Classification: Uncertain significance for Charcot-Marie-Tooth disease dominant intermediate B. Last evaluated: 2016-01-06. Review status: no assertion criteria provided. Collection method: literature only. Allele origin: germline. Affected: yes. Not counted in ClinVar's aggregate classification.

Literature cited by the submitters: PubMed 26199319 (cited by ClinGen Congenital Myopathies Variant Curation Expert Panel, ClinGen and Labcorp Genetics (formerly Invitae), Labcorp); PubMed 19122038 (cited by Labcorp Genetics (formerly Invitae), Labcorp and Inherited Neuropathy Consortium Ii, University Of Miami); PubMed 22396310 (cited by Labcorp Genetics (formerly Invitae), Labcorp).